The following is an entry in ClinVar:

NM_174916.3(UBR1):c.3995T>C (p.Ile1332Thr)

Gene: UBR1 (ubiquitin protein ligase E3 component n-recognin 1; minus strand). Cytogenetic location: 15q15.2.
Variant type: single nucleotide variant.
Coding change: c.3995T>C on transcript NM_174916.3 (MANE Select); coding-DNA position 3995, T replaced by C.
Protein change: p.Ile1332Thr; replaces isoleucine 1332 with threonine.
Molecular consequence: missense variant.
Genome position (GRCh38, 1-based): chr15:42,988,821, A>G on the plus strand (T>C on the coding strand, the complement: UBR1 is on the minus strand). VCF-style: chr15-42988821-A-G. GRCh37 (hg19) VCF-style: chr15-43281019-A-G.
Other names: short protein forms I1332T.
Identifiers: ClinVar variation 1352992 (VCV001352992.5), dbSNP rs761815089, ClinGen allele CA7518043.

ClinVar aggregate classification (germline): Uncertain significance (1 of 4 stars; one submission).

Allele frequency attached by ClinVar (database versions not stated): gnomAD exomes below 0.00001; ExAC 0.00001.
gnomAD v4.1: 1 of 1,614,166 alleles (0.000062%); highest among the groups gnomAD compares: East Asian, 0.0022%; no homozygotes.

Submission:

Labcorp Genetics (formerly Invitae), Labcorp
Classification: Uncertain significance. Last evaluated: 2021-08-28. Review status: criteria provided, single submitter. Criteria: Invitae Variant Classification Sherloc (09022015). Collection method: clinical testing. Allele origin: germline.
Comment: This sequence change replaces isoleucine with threonine at codon 1332 of the UBR1 protein (p.Ile1332Thr). The isoleucine residue is highly conserved and there is a moderate physicochemical difference between isoleucine and threonine. This variant is present in population databases (rs761815089, ExAC 0.01%). This variant has not been reported in the literature in individuals affected with UBR1-related conditions. Algorithms developed to predict the effect of missense changes on protein structure and function are either unavailable or do not agree on the potential impact of this missense change (SIFT: "Tolerated"; PolyPhen-2: "Possibly Damaging"; Align-GVGD: "Class C0"). In summary, the available evidence is currently insufficient to determine the role of this variant in disease. Therefore, it has been classified as a Variant of Uncertain Significance.